The following is an entry in ClinVar:

ClinVar aggregate classification (germline): Benign. Review status: criteria provided, multiple submitters, no conflicts (2 of 4 stars). 8 submissions from 8 submitters: Benign (6). 2 of the submissions do not count toward it. Last evaluated 2026-02-03.

Conditions:
Catecholaminergic polymorphic ventricular tachycardia 1. Also called: RYR2-Related Catecholaminergic Polymorphic Ventricular Tachycardia; VENTRICULAR TACHYCARDIA, STRESS-INDUCED POLYMORPHIC 1; VENTRICULAR TACHYCARDIA, CATECHOLAMINERGIC POLYMORPHIC, 1, WITH OR WITHOUT ATRIAL DYSFUNCTION AND/OR DILATED CARDIOMYOPATHY. Identifiers: Orphanet 3286, MedGen C1631597, MONDO:0011484, OMIM 604772.

Allele frequency attached by ClinVar (database versions not stated): gnomAD exomes 0.00191 and 0.00480; ExAC 0.00529; gnomAD 0.00698 and 0.00713; ESP Exome Variant Server 0.00720; TOPMed 0.00820; 1000 Genomes Project 30x 0.01343; 1000 Genomes Project 0.01418.
gnomAD v4.1: 3,956 of 1,613,728 alleles (0.25%); highest among the groups gnomAD compares: African/African-American, 2.2%; 59 homozygotes.

Submissions (8):

Labcorp Genetics (formerly Invitae), Labcorp
Classification: Benign for Catecholaminergic polymorphic ventricular tachycardia 1. Last evaluated: 2026-02-03. Review status: criteria provided, single submitter. Criteria: Invitae Variant Classification Sherloc (09022015). Collection method: clinical testing. Allele origin: germline.

ARUP Laboratories, Molecular Genetics and Genomics, ARUP Laboratories
Classification: Benign. Last evaluated: 2025-04-08. Review status: criteria provided, single submitter. Criteria: ARUP Molecular Germline Variant Investigation Process 2024. Collection method: clinical testing. Allele origin: germline.

Women's Health and Genetics/Laboratory Corporation of America, LabCorp
Classification: Benign. Last evaluated: 2019-08-12. Review status: criteria provided, single submitter. Criteria: LabCorp Variant Classification Summary - May 2015. Collection method: clinical testing. Allele origin: germline.
Comment: Variant summary: RYR2 c.7342+16A>G alters a nucleotide located close to a canonical splice site and therefore could affect mRNA splicing, leading to a significantly altered protein sequence. 5/5 computational tools predict no significant impact on normal splicing. However, these predictions have yet to be confirmed by functional studies. The variant allele was found at a frequency of 0.0048 in 249216 control chromosomes, predominantly at a frequency of 0.023 within the East Asian and African-American subpopulations in the gnomAD database, including 9 homozygotes. The observed variant frequency within East Asian and African-American control individuals in the gnomAD database is approximately 383-folds over the estimated maximal expected allele frequency for a pathogenic variant in RYR2 causing Arrhythmia phenotype (6e-05), strongly suggesting that the variant is a benign polymorphism found primarily in populations of East Asian and African-American origins. To our knowledge, no occurrence of c.7342+16A>G in individuals affected with Arrhythmia and no experimental evidence demonstrating its impact on protein function have been reported. No clinical diagnostic laboratories have submitted clinical-significance assessments for this variant to ClinVar after 2014. Based on the evidence outlined above, the variant was classified as benign.

GeneDx
Classification: Benign. Last evaluated: 2015-03-03. Review status: criteria provided, single submitter. Criteria: GeneDx Variant Classification Process June 2021. Collection method: clinical testing. Allele origin: germline. Affected: yes.

Breakthrough Genomics
Classification: Benign. Review status: criteria provided, single submitter. Criteria: ACMG Guidelines, 2015. Collection method: not provided. Allele origin: germline. Inheritance: Autosomal dominant inheritance. Affected: yes.

PreventionGenetics, part of Exact Sciences
Classification: Benign. Review status: criteria provided, single submitter. Criteria: ACMG Guidelines, 2015. Collection method: clinical testing. Allele origin: germline.

Clinical Genetics DNA and cytogenetics Diagnostics Lab, Erasmus MC, Erasmus Medical Center
Classification: Benign. Review status: no assertion criteria provided. Collection method: clinical testing. Allele origin: germline. Affected: yes. Study: VKGL Data-share Consensus. Not counted in ClinVar's aggregate classification.

Clinical Genetics, Academic Medical Center
Classification: Benign. Review status: no assertion criteria provided. Collection method: clinical testing. Allele origin: germline. Affected: yes. Study: VKGL Data-share Consensus. Not counted in ClinVar's aggregate classification.

NM_001035.3(RYR2):c.7342+16A>G

Gene: RYR2 (ryanodine receptor 2; plus strand). Cytogenetic location: 1q43.
Variant type: single nucleotide variant.
Coding change: c.7342+16A>G on transcript NM_001035.3 (MANE Select); 16 bases into the intron after coding-DNA position 7342, A replaced by G.
Molecular consequence: intron variant.
Genome position (GRCh38, 1-based): chr1:237,643,463, A>G. VCF-style: chr1-237643463-A-G. GRCh37 (hg19) VCF-style: chr1-237806763-A-G.
Other names: c.7342+16A>G (LRG_402t1).
Identifiers: ClinVar variation 257217 (VCV000257217.27), dbSNP rs76678214, ClinGen allele CA087363.